The following is an entry in ClinVar:

NM_001270974.2(HYDIN):c.13899+1G>T

Gene: HYDIN (HYDIN axonemal central pair apparatus protein; minus strand). Cytogenetic location: 16q22.2.
Variant type: single nucleotide variant.
Coding change: c.13899+1G>T on transcript NM_001270974.2 (MANE Select); the canonical splice donor site of the intron after coding-DNA position 13899, G replaced by T.
Molecular consequence: splice donor variant.
Genome position (GRCh38, 1-based): chr16:70,832,847, C>A on the plus strand (G>T on the coding strand, the complement: HYDIN is on the minus strand). VCF-style: chr16-70832847-C-A. GRCh37 (hg19) VCF-style: chr16-70866750-C-A.
Identifiers: ClinVar variation 4884414 (VCV004884414.1).

ClinVar aggregate classification (germline): Likely pathogenic (1 of 4 stars; one submission).

Conditions:
Primary ciliary dyskinesia 5. Also called: CILIARY DYSKINESIA, PRIMARY, 5, WITHOUT SITUS INVERSUS. Identifiers: Orphanet 244, MedGen C1837615, MONDO:0012088, OMIM 608647.

Submission:

Division of Genetic & Genomic Pathology, Hong Kong Children's Hospital
Classification: Likely pathogenic for Primary ciliary dyskinesia 5. Last evaluated: 2025-10-30. Review status: criteria provided, single submitter. Criteria: ACMG Guidelines, 2015. Collection method: clinical testing. Allele origin: germline. Affected: yes.
Comment: The splice variant HYDIN c.13899+1G>T is located in intron 80 of the gene, affecting the canonical donor splice site. In silico algorithm SpliceAI predicts a delta score of 0.77 for donor loss, and predicted to result in an exon skipping frameshift. This variant is absent in the control populations (gnomAD v4.1.0). It has not been documented in any variant database (ClinVar and HGMD Professional 2025.1). Overall, this variant is classified as likely pathogenic.